The following is an entry in ClinVar:

NM_001040108.2(MLH3):c.651G>C (p.Leu217Phe)

Gene: MLH3 (mutL homolog 3; minus strand). Cytogenetic location: 14q24.3.
Variant type: single nucleotide variant.
Coding change: c.651G>C on transcript NM_001040108.2 (MANE Select); coding-DNA position 651, G replaced by C.
Protein change: p.Leu217Phe; replaces leucine 217 with phenylalanine.
Molecular consequence: missense variant.
Genome position (GRCh38, 1-based): chr14:75,049,005, C>G on the plus strand (G>C on the coding strand, the complement: MLH3 is on the minus strand). VCF-style: chr14-75049005-C-G. GRCh37 (hg19) VCF-style: chr14-75515708-C-G.
Other names: c.651G>C, p.Leu217Phe (NM_014381.3); short protein forms L217F.
Identifiers: ClinVar variation 3009086 (VCV003009086.3), dbSNP rs2139601697, ClinGen allele CA390449697.

ClinVar aggregate classification (germline): Uncertain significance (1 of 4 stars; one submission).

Conditions:
Colorectal cancer, hereditary nonpolyposis, type 7. Identifiers: Orphanet 144, MedGen C1858380, MONDO:0013725, OMIM 614385.

Allele frequency attached by ClinVar (database versions not stated): gnomAD exomes below 0.00001.
gnomAD v4.1: 1 of 1,614,062 alleles (0.000062%); highest among the groups gnomAD compares: Non-Finnish European, 0.000085%; no homozygotes.

Submission:

Labcorp Genetics (formerly Invitae), Labcorp
Classification: Uncertain significance for Colorectal cancer, hereditary nonpolyposis, type 7. Last evaluated: 2023-07-26. Review status: criteria provided, single submitter. Criteria: Invitae Variant Classification Sherloc (09022015). Collection method: clinical testing. Allele origin: germline.
Comment: This sequence change replaces leucine, which is neutral and non-polar, with phenylalanine, which is neutral and non-polar, at codon 217 of the MLH3 protein (p.Leu217Phe). This variant is not present in population databases (gnomAD no frequency). This variant has not been reported in the literature in individuals affected with MLH3-related conditions. An algorithm developed to predict the effect of missense changes on protein structure and function (PolyPhen-2) suggests that this variant is likely to be disruptive. In summary, the available evidence is currently insufficient to determine the role of this variant in disease. Therefore, it has been classified as a Variant of Uncertain Significance.